The following is an entry in ClinVar:

ClinVar aggregate classification (germline): Pathogenic (1 of 4 stars; one submission).

Conditions:
Fanconi anemia (FA). Also called: Fanconi's anemia. Identifiers: Orphanet 84, MedGen C0015625, MeSH D005199, MONDO:0019391.

Submission:

Labcorp Genetics (formerly Invitae), Labcorp
Classification: Pathogenic for Fanconi anemia. Last evaluated: 2021-09-21. Review status: criteria provided, single submitter. Criteria: Invitae Variant Classification Sherloc (09022015). Collection method: clinical testing. Allele origin: germline.
Comment: This sequence change creates a premature translational stop signal (p.Asn615Thrfs*55) in the FANCM gene. It is expected to result in an absent or disrupted protein product. Loss-of-function variants in FANCM are known to be pathogenic (PMID: 29895858, 30075111). This variant is not present in population databases (ExAC no frequency). This variant has not been reported in the literature in individuals affected with FANCM-related conditions. For these reasons, this variant has been classified as Pathogenic.

Literature cited by the submitters: PubMed 29895858; PubMed 30075111.

NM_020937.4(FANCM):c.1844del (p.Asn615fs)

Gene: FANCM (FA complementation group M; plus strand). Cytogenetic location: 14q21.2.
Variant type: Deletion.
Coding change: c.1844del on transcript NM_020937.4 (MANE Select); coding-DNA position 1844, one base deleted (A; older notation c.1844delA).
Protein change: p.Asn615fs; shifts the reading frame from asparagine 615.
Molecular consequence: frameshift variant.
Genome position (GRCh38, 1-based): chr14:45,167,005, A deleted; the last of 2 consecutive A bases (chr14:45,167,004-45,167,005); deleting either gives the same sequence. VCF-style (leftmost placement, unchanged base first): chr14-45167003-TA-T. GRCh37 (hg19) VCF-style: chr14-45636206-TA-T.
Other names: c.1766del, p.Asn589fs (NM_001308133.2); c.1844del, p.Asn615fs (NM_001308134.2); short protein forms N615fs, N589fs.
Identifiers: ClinVar variation 1418404 (VCV001418404.6), dbSNP rs2139214355, ClinGen allele CA2573149947.